The following is an entry in ClinVar:

ClinVar aggregate classification (germline): Likely pathogenic (1 of 4 stars; one submission).

Conditions:
Leber congenital amaurosis (LCA). Also called: Leber's amaurosis. Identifiers: Orphanet 65, MedGen C0339527, MeSH D057130, MONDO:0018998.

Submission:

Natera, Inc.
Classification: Likely pathogenic for Leber congenital amaurosis. Last evaluated: 2025-08-20. Review status: criteria provided, single submitter. Criteria: Natera Variant Classification Schema (03/2026). Collection method: clinical testing. Allele origin: germline.
Comment: The c.256C>T variant in CEP290 is a nonsense variant predicted to introduce a stop codon at amino acid 86. This variant is expected to result in nonsense mediated decay, truncation, or a dysfunctional protein product. This variant is rare in the general population with a frequency below the threshold expected for the associated phenotype(s). Given the available evidence, this variant is classified as Likely Pathogenic.

NM_025114.4(CEP290):c.256C>T (p.Gln86Ter)

Gene: CEP290 (centrosomal protein 290; minus strand). Cytogenetic location: 12q21.32.
Variant type: single nucleotide variant.
Coding change: c.256C>T on transcript NM_025114.4 (MANE Select); coding-DNA position 256, C replaced by T.
Protein change: p.Gln86Ter; replaces glutamine 86 with a stop codon.
Molecular consequence: nonsense.
Genome position (GRCh38, 1-based): chr12:88,139,186, G>A on the plus strand (C>T on the coding strand, the complement: CEP290 is on the minus strand). VCF-style: chr12-88139186-G-A. GRCh37 (hg19) VCF-style: chr12-88532963-G-A.
Other names: short protein forms Q86*.
Identifiers: ClinVar variation 4816200 (VCV004816200.1).